The following is an entry in ClinVar:

NM_012186.3(FOXE3):c.537G>A (p.Ala179=)

Genes: FOXE3 (forkhead box E3; plus strand), LINC01389 (long independently transcribed non-coding RNA 1389; minus strand). Cytogenetic location: 1p33.
Variant type: single nucleotide variant.
Coding change: c.537G>A on transcript NM_012186.3 (MANE Select); coding-DNA position 537, G replaced by A.
Protein change: p.Ala179=; no amino-acid change (alanine 179 retained).
Molecular consequence: synonymous variant.
Genome position (GRCh38, 1-based): chr1:47,416,852, G>A. VCF-style: chr1-47416852-G-A. GRCh37 (hg19) VCF-style: chr1-47882524-G-A.
Identifiers: ClinVar variation 4790056 (VCV004790056.1).

ClinVar aggregate classification (germline): Uncertain significance (1 of 4 stars; one submission).

Conditions:
Anterior segment dysgenesis. Also called: Ocular anterior segment dysgenesis. Identifiers: Orphanet 88632, MedGen C1862839, MONDO:0019503, HP:0007700.
Congenital primary aphakia. Also called: Anterior segment dysgenesis 2, multiple subtypes; ANTERIOR SEGMENT DYSGENESIS 2. Identifiers: Orphanet 83461, MedGen C1853230, MONDO:0012456, OMIM 610256.

Submission:

Labcorp Genetics (formerly Invitae), Labcorp
Classification: Uncertain significance for Anterior segment dysgenesis; Congenital primary aphakia. Last evaluated: 2025-04-11. Review status: criteria provided, single submitter. Criteria: Invitae Variant Classification Sherloc (09022015). Collection method: clinical testing. Allele origin: germline.
Comment: This sequence change affects codon 179 of the FOXE3 mRNA. It is a 'silent' change, meaning that it does not change the encoded amino acid sequence of the FOXE3 protein. This variant is not present in population databases (gnomAD no frequency). This variant has not been reported in the literature in individuals affected with FOXE3-related conditions. In summary, the available evidence is currently insufficient to determine the role of this variant in disease. Therefore, it has been classified as a Variant of Uncertain Significance.